The following is an entry in ClinVar:

NM_000284.4(PDHA1):c.998_1008+20dup

Gene: PDHA1 (pyruvate dehydrogenase E1 subunit alpha 1; plus strand). Cytogenetic location: Xp22.12.
Variant type: Duplication.
Coding change: c.998_1008+20dup on transcript NM_000284.4 (MANE Select); coding-DNA position 998 through 20 bases into the intron after coding-DNA position 1008, 31 bases duplicated.
Molecular consequence: splice donor variant.
Genome position (GRCh38, 1-based): chrX:19,359,014-19,359,044, 31 bases duplicated; duplicating any 31 consecutive bases within chrX:19,359,011-19,359,044 gives the same sequence; the c. name uses the placement nearest the transcript's 3' end. GRCh37 (hg19): chrX:19,377,132-19,377,162.
Other names: c.1112_1122+20dup (NM_001173454.2); c.1019_1029+20dup (NM_001173455.2); c.905_915+20dup (NM_001173456.2).
Identifiers: ClinVar variation 931363 (VCV000931363.3), dbSNP rs2063233544, ClinGen allele CA1139667329.
Genomic context (GRCh38, chrX:19,359,010, plus strand): 5'-AGTAAGAGTGACCCTATTATGCTTCTCAAGGACAGGATGGTGAACAGCAATCTTGCCAGT[G>GTGGAAGAACTAAAGGTACAGTCACTTGTTCA]TGGAAGAACTAAAGGTACAGTCACTTGTTCATGGTGGTTTGAAGGTTGGCTTTAAAAGTT-3'

ClinVar aggregate classification (germline): Uncertain significance (1 of 4 stars; one submission).

Conditions:
Pyruvate dehydrogenase E1-alpha deficiency (PDHAD). Also called: ATAXIA, INTERMITTENT, WITH PYRUVATE DEHYDROGENASE DEFICIENCY; ATAXIA WITH LACTIC ACIDOSIS I; ATAXIA, INTERMITTENT, WITH ABNORMAL PYRUVATE METABOLISM; Ataxia, intermittent, with pyruvate dehydrogenase, or decarboxylase, deficiency. Identifiers: Orphanet 79243, MedGen C1839413, MONDO:0010717, OMIM 312170.

Submission:

Centre for Mendelian Genomics, University Medical Centre Ljubljana
Classification: Uncertain significance for Pyruvate dehydrogenase E1-alpha deficiency. Last evaluated: 2019-03-26. Review status: criteria provided, single submitter. Criteria: ACMG Guidelines, 2015. Collection method: clinical testing. Allele origin: unknown. Affected: yes.
Comment: This variant was classified as: Uncertain significance. The following ACMG criteria were applied in classifying this variant: PM2,BP4. This variant was detected in hemizygous state.